The following is an entry in ClinVar:

NM_001042492.3(NF1):c.4332+1del

Gene: NF1 (neurofibromin 1; plus strand). Cytogenetic location: 17q11.2.
Variant type: Deletion.
Coding change: c.4332+1del on transcript NM_001042492.3 (MANE Select); the canonical splice donor site of the intron after coding-DNA position 4332, one base deleted (G; older notation c.4332+1delG).
Molecular consequence: splice donor variant.
Genome position (GRCh38, 1-based): chr17:31,258,503, G deleted; the last of 2 consecutive G bases (chr17:31,258,502-31,258,503); deleting either gives the same sequence. VCF-style (leftmost placement, unchanged base first): chr17-31258501-AG-A. GRCh37 (hg19) VCF-style: chr17-29585519-AG-A.
Other names: c.4269+1del (NM_000267.4); c.4332+1delG (NM_001042492.2).
Identifiers: ClinVar variation 599036 (VCV000599036.5), dbSNP rs1567862095, ClinGen allele CA913191030.

ClinVar aggregate classification (germline): Pathogenic. Review status: criteria provided, multiple submitters, no conflicts (2 of 4 stars). 2 submissions from 2 submitters: Pathogenic (2). Last evaluated 2024-12-03.

Conditions:
Neurofibromatosis, type 1 (NF1). Also called: VON RECKLINGHAUSEN DISEASE; Peripheral type neurofibromatosis; NEUROFIBROMATOSIS, TYPE I, SOMATIC; Neurofibromatosis, type I. Identifiers: Orphanet 636, MedGen C0027831, MONDO:0018975, OMIM 162200. Disease mechanism: loss of function.

Submissions (2):

Labcorp Genetics (formerly Invitae), Labcorp
Classification: Pathogenic for Neurofibromatosis, type 1. Last evaluated: 2024-12-03. Review status: criteria provided, single submitter. Criteria: Invitae Variant Classification Sherloc (09022015). Collection method: clinical testing. Allele origin: germline.
Comment: This sequence change creates a premature translational stop signal (Splice site) in the NF1 gene. It is expected to result in an absent or disrupted protein product. Loss-of-function variants in NF1 are known to be pathogenic (PMID: 10712197, 23913538). This variant is not present in population databases (gnomAD no frequency). This variant has not been reported in the literature in individuals affected with NF1-related conditions. This variant is also known as c.4269+1del. ClinVar contains an entry for this variant (Variation ID: 599036). Algorithms developed to predict the effect of sequence changes on RNA splicing suggest that this variant may disrupt the consensus splice site. For these reasons, this variant has been classified as Pathogenic.

Clinical Molecular Genetics Laboratory, Johns Hopkins All Children's Hospital
Classification: Pathogenic for Neurofibromatosis, type 1. Last evaluated: 2018-12-13. Review status: criteria provided, single submitter. Criteria: ACMG Guidelines, 2015. Collection method: clinical testing. Allele origin: germline. Inheritance: Autosomal dominant inheritance. Affected: yes. Observed: 1 heterozygote.

Literature cited by the submitters: PubMed 10712197 (cited by Labcorp Genetics (formerly Invitae), Labcorp); PubMed 23913538 (cited by Labcorp Genetics (formerly Invitae), Labcorp).